The following is an entry in ClinVar:

NM_001385012.1(NBEA):c.2832A>C (p.Ile944=)

Gene: NBEA (neurobeachin; plus strand). Cytogenetic location: 13q13.3.
Variant type: single nucleotide variant.
Coding change: c.2832A>C on transcript NM_001385012.1 (MANE Select); coding-DNA position 2832, A replaced by C.
Protein change: p.Ile944=; no amino-acid change (isoleucine 944 retained).
Molecular consequence: synonymous variant.
Genome position (GRCh38, 1-based): chr13:35,157,258, A>C. VCF-style: chr13-35157258-A-C. GRCh37 (hg19) VCF-style: chr13-35731395-A-C.
Other names: c.2832A>C, p.Ile944= (NM_001379245.1, NM_015678.5).
Identifiers: ClinVar variation 3057743 (VCV003057743.2), dbSNP rs200139011, ClinGen allele CA6946546.

ClinVar aggregate classification (germline): Likely benign (0 of 4 stars; one submission).

Conditions:
NBEA-related disorder. Also called: NBEA-related condition.

Allele frequency attached by ClinVar (database versions not stated): gnomAD exomes 0.00006; ExAC 0.00018; 1000 Genomes Project 0.00060; ESP Exome Variant Server 0.00067; gnomAD 0.00069; TOPMed 0.00074; 1000 Genomes Project 30x 0.00094.

Submission:

PreventionGenetics, part of Exact Sciences
Classification: Likely benign for NBEA-related condition. Last evaluated: 2022-06-17. Review status: no assertion criteria provided. Collection method: clinical testing. Allele origin: germline.
Comment: This variant is classified as likely benign based on ACMG/AMP sequence variant interpretation guidelines (Richards et al. 2015 PMID: 25741868, with internal and published modifications).